The following is an entry in ClinVar:

ClinVar aggregate classification (germline): Uncertain significance. Review status: criteria provided, multiple submitters, no conflicts (2 of 4 stars). 2 submissions from 2 submitters: Uncertain significance (2). Last evaluated 2025-02-24.

Allele frequency attached by ClinVar (database versions not stated): gnomAD 0.00001.
gnomAD v4.1: 12 of 1,612,558 alleles (0.00074%); highest among the groups gnomAD compares: African/African-American, 0.0013%; no homozygotes.

Submissions (2):

Labcorp Genetics (formerly Invitae), Labcorp
Classification: Uncertain significance. Last evaluated: 2025-02-24. Review status: criteria provided, single submitter. Criteria: Invitae Variant Classification Sherloc (09022015). Collection method: clinical testing. Allele origin: germline.
Comment: This sequence change replaces proline, which is neutral and non-polar, with serine, which is neutral and polar, at codon 253 of the MKL1 protein (p.Pro253Ser). This variant is present in population databases (rs773029783, gnomAD 0.003%). This variant has not been reported in the literature in individuals affected with MKL1-related conditions. ClinVar contains an entry for this variant (Variation ID: 2053769). An algorithm developed to predict the effect of missense changes on protein structure and function (PolyPhen-2) suggests that this variant is likely to be disruptive. In summary, the available evidence is currently insufficient to determine the role of this variant in disease. Therefore, it has been classified as a Variant of Uncertain Significance.

Ambry Genetics
Classification: Uncertain significance. Last evaluated: 2024-09-03. Review status: criteria provided, single submitter. Criteria: Ambry Variant Classification Scheme 2023. Collection method: clinical testing. Allele origin: germline.

NM_020831.6(MRTFA):c.1057C>T (p.Pro353Ser)

Gene: MRTFA (myocardin related transcription factor A; minus strand). Cytogenetic location: 22q13.1.
Variant type: single nucleotide variant.
Coding change: c.1057C>T on transcript NM_020831.6 (MANE Select); coding-DNA position 1057, C replaced by T.
Protein change: p.Pro353Ser; replaces proline 353 with serine.
Molecular consequence: missense variant.
Genome position (GRCh38, 1-based): chr22:40,420,971, G>A on the plus strand (C>T on the coding strand, the complement: MRTFA is on the minus strand). VCF-style: chr22-40420971-G-A. GRCh37 (hg19) VCF-style: chr22-40816975-G-A.
Other names: c.757C>T, p.Pro253Ser (NM_001282660.2); c.907C>T, p.Pro303Ser (NM_001282661.3); c.1057C>T, p.Pro353Ser (NM_001282662.3); c.862C>T, p.Pro288Ser (NM_001318139.2); c.757C>T (NM_020831.3); short protein forms P253S, P288S, P303S, P353S.
Identifiers: ClinVar variation 2053769 (VCV002053769.5), dbSNP rs773029783, ClinGen allele CA10249805.